The following is an entry in ClinVar:

NM_006277.3(ITSN2):c.1468A>C (p.Asn490His)

Gene: ITSN2 (intersectin 2; minus strand). Cytogenetic location: 2p23.3.
Variant type: single nucleotide variant.
Coding change: c.1468A>C on transcript NM_006277.3 (MANE Select); coding-DNA position 1468, A replaced by C.
Protein change: p.Asn490His; replaces asparagine 490 with histidine.
Molecular consequence: missense variant.
Genome position (GRCh38, 1-based): chr2:24,298,691, T>G on the plus strand (A>C on the coding strand, the complement: ITSN2 is on the minus strand). VCF-style: chr2-24298691-T-G. GRCh37 (hg19) VCF-style: chr2-24521560-T-G.
Other names: c.1426A>C, p.Asn476His (NM_001348181.2, NM_001348184.2); c.1468A>C, p.Asn490His (NM_001348182.2, NM_001348183.2, NM_001348185.2 and 3 more transcripts); short protein forms N476H, N490H.
Identifiers: ClinVar variation 4768187 (VCV004768187.1).

ClinVar aggregate classification (germline): Uncertain significance (1 of 4 stars; one submission).

gnomAD v4.1: 3 of 1,603,442 alleles (0.00019%); highest among the groups gnomAD compares: Admixed American, 0.0053%; no homozygotes.

Submission:

Labcorp Genetics (formerly Invitae), Labcorp
Classification: Uncertain significance. Last evaluated: 2025-10-11. Review status: criteria provided, single submitter. Criteria: Invitae Variant Classification Sherloc (09022015). Collection method: clinical testing. Allele origin: germline.
Comment: This sequence change replaces asparagine, which is neutral and polar, with histidine, which is basic and polar, at codon 490 of the ITSN2 protein (p.Asn490His). This variant is not present in population databases (gnomAD no frequency). This variant has not been reported in the literature in individuals affected with ITSN2-related conditions. Experimental studies and prediction algorithms are not available or were not evaluated, and the functional significance of this variant is currently unknown. In summary, the available evidence is currently insufficient to determine the role of this variant in disease. Therefore, it has been classified as a Variant of Uncertain Significance.